The following is an entry in ClinVar:

NM_022773.4(LMF1):c.149G>A (p.Trp50Ter)

Genes: LMF1 (lipase maturation factor 1; minus strand), LOC130058141 (ATAC-STARR-seq lymphoblastoid silent region 6962; plus strand). Cytogenetic location: 16p13.3.
Variant type: single nucleotide variant.
Coding change: c.149G>A on transcript NM_022773.4 (MANE Select); coding-DNA position 149, G replaced by A.
Protein change: p.Trp50Ter; replaces tryptophan 50 with a stop codon.
Molecular consequence: nonsense. On other transcripts: non-coding transcript variant (1), intron variant (3), 5 prime UTR variant (1).
Genome position (GRCh38, 1-based): chr16:970,832, C>T on the plus strand (G>A on the coding strand, the complement: LMF1 is on the minus strand). VCF-style: chr16-970832-C-T. GRCh37 (hg19) VCF-style: chr16-1020832-C-T.
Other names: c.-135+10313G>A (NM_001352019.2); c.-611+10313G>A (NM_001352017.2); c.-362+10313G>A (NM_001352018.2); c.149G>A, p.Trp50Ter (NM_001352020.1); c.-557G>A (NM_001352021.2); short protein forms W50*.
Identifiers: ClinVar variation 2789167 (VCV002789167.3), dbSNP rs1167928854, ClinGen allele CA394110985.
Genomic context (GRCh38, chr16:970,832, plus strand): 5'-CCCGCCCGGCACTCACAGTACACGAAGGCTAGGGCCTTCAGGAGCACGATCCGGGTCAGC[C>T]AGAAGGTGCCCGTGTGGAGATGGGCCGGAGAGCCTGCGGGGCCACGCCCCGGCGCGGGCG-3'

ClinVar aggregate classification (germline): Pathogenic (1 of 4 stars; one submission).

Submission:

Labcorp Genetics (formerly Invitae), Labcorp
Classification: Pathogenic. Last evaluated: 2024-03-30. Review status: criteria provided, single submitter. Criteria: Invitae Variant Classification Sherloc (09022015). Collection method: clinical testing. Allele origin: germline.
Comment: This sequence change creates a premature translational stop signal (p.Trp50*) in the LMF1 gene. It is expected to result in an absent or disrupted protein product. Loss-of-function variants in LMF1 are known to be pathogenic (PMID: 17994020, 19820022, 22239554). This variant is not present in population databases (gnomAD no frequency). This variant has not been reported in the literature in individuals affected with LMF1-related conditions. For these reasons, this variant has been classified as Pathogenic.

Literature cited by the submitters: PubMed 17994020; PubMed 19820022; PubMed 22239554.